The following is an entry in ClinVar:

NM_001267550.2(TTN):c.43188A>G (p.Lys14396=)

Gene: TTN (titin; minus strand). Cytogenetic location: 2q31.2.
Variant type: single nucleotide variant.
Coding change: c.43188A>G on transcript NM_001267550.2 (MANE Select); coding-DNA position 43188, A replaced by G.
Protein change: p.Lys14396=; no amino-acid change (lysine 14396 retained).
Molecular consequence: synonymous variant.
Genome position (GRCh38, 1-based): chr2:178,632,943, T>C on the plus strand (A>G on the coding strand, the complement: TTN is on the minus strand). VCF-style: chr2-178632943-T-C. GRCh37 (hg19) VCF-style: chr2-179497670-T-C.
Other names: c.38265A>G, p.Lys12755= (NM_001256850.1); c.15993A>G, p.Lys5331= (NM_003319.4); c.35484A>G, p.Lys11828= (NM_133378.4); c.16368A>G, p.Lys5456= (NM_133432.3); c.16569A>G, p.Lys5523= (NM_133437.4).
Identifiers: ClinVar variation 390311 (VCV000390311.1), dbSNP rs1057523718, ClinGen allele CA16603922.

ClinVar aggregate classification (germline): Likely benign (1 of 4 stars; one submission).

Submission:

GeneDx
Classification: Likely benign. Last evaluated: 2016-10-26. Review status: criteria provided, single submitter. Criteria: GeneDx Variant Classification (06012015). Collection method: clinical testing. Allele origin: germline. Affected: yes.
Comment: This variant is considered likely benign or benign based on one or more of the following criteria: it is a conservative change, it occurs at a poorly conserved position in the protein, it is predicted to be benign by multiple in silico algorithms, and/or has population frequency not consistent with disease.